The following is an entry in ClinVar:

ClinVar aggregate classification (germline): Uncertain significance. Review status: criteria provided, multiple submitters, no conflicts (2 of 4 stars). 2 submissions from 2 submitters: Uncertain significance (2). Last evaluated 2025-10-22.

Conditions:
Inborn genetic diseases. Identifiers: MedGen C0950123, MeSH D030342.

gnomAD v4.1: 1 of 1,607,166 alleles (0.000062%); highest among the groups gnomAD compares: Non-Finnish European, 0.000085%; no homozygotes.

Submissions (2):

Ambry Genetics
Classification: Uncertain significance for Inborn genetic diseases. Last evaluated: 2025-10-22. Review status: criteria provided, single submitter. Criteria: Ambry Variant Classification Scheme 2023. Collection method: clinical testing. Allele origin: germline.

GeneDx
Classification: Uncertain significance. Last evaluated: 2025-01-07. Review status: criteria provided, single submitter. Criteria: GeneDx Variant Classification Process June 2021. Collection method: clinical testing. Allele origin: germline. Affected: yes.
Comment: Not observed at significant frequency in large population cohorts (gnomAD); In silico analysis supports that this missense variant has a deleterious effect on protein structure/function; Has not been previously published as pathogenic or benign to our knowledge

NM_002609.4(PDGFRB):c.3307G>T (p.Asp1103Tyr)

Gene: PDGFRB (platelet derived growth factor receptor beta; minus strand). Cytogenetic location: 5q32.
Variant type: single nucleotide variant.
Coding change: c.3307G>T on transcript NM_002609.4 (MANE Select); coding-DNA position 3307, G replaced by T.
Protein change: p.Asp1103Tyr; replaces aspartic acid 1103 with tyrosine.
Molecular consequence: missense variant.
Genome position (GRCh38, 1-based): chr5:150,115,777, C>A on the plus strand (G>T on the coding strand, the complement: PDGFRB is on the minus strand). VCF-style: chr5-150115777-C-A. GRCh37 (hg19) VCF-style: chr5-149495340-C-A.
Other names: c.3115G>T, p.Asp1039Tyr (NM_001355016.2); c.2824G>T, p.Asp942Tyr (NM_001355017.2); short protein forms D1039Y, D1103Y, D942Y.
Identifiers: ClinVar variation 4056974 (VCV004056974.2).